The following is an entry in ClinVar:

NM_000395.3(CSF2RB):c.2232_2233del (p.Cys745fs)

Gene: CSF2RB (colony stimulating factor 2 receptor subunit beta; plus strand). Cytogenetic location: 22q12.3.
Variant type: Deletion.
Coding change: c.2232_2233del on transcript NM_000395.3 (MANE Select); coding-DNA positions 2232 to 2233, 2 bases deleted (AT; older notation c.2232_2233delAT).
Protein change: p.Cys745fs; shifts the reading frame from cysteine 745.
Molecular consequence: frameshift variant.
Genome position (GRCh38, 1-based): chr22:36,938,040-36,938,041, AT deleted; deleting any 2 consecutive bases within chr22:36,938,039-36,938,041 gives the same sequence; the c. name uses the placement nearest the transcript's 3' end. VCF-style (leftmost placement, unchanged base first): chr22-36938038-TTA-T. GRCh37 (hg19) VCF-style: chr22-37334080-TTA-T.
Other names: short protein forms C745fs.
Identifiers: ClinVar variation 1503987 (VCV001503987.8), dbSNP rs2145827772, ClinGen allele CA2573158124.

ClinVar aggregate classification (germline): Uncertain significance (1 of 4 stars; one submission).

Submission:

Labcorp Genetics (formerly Invitae), Labcorp
Classification: Uncertain significance. Last evaluated: 2024-03-07. Review status: criteria provided, single submitter. Criteria: Invitae Variant Classification Sherloc (09022015). Collection method: clinical testing. Allele origin: germline.
Comment: This sequence change creates a premature translational stop signal (p.Cys745Serfs*19) in the CSF2RB gene. While this is not anticipated to result in nonsense mediated decay, it is expected to disrupt the last 153 amino acid(s) of the CSF2RB protein. This variant is not present in population databases (gnomAD no frequency). This variant has not been reported in the literature in individuals affected with CSF2RB-related conditions. ClinVar contains an entry for this variant (Variation ID: 1503987). Experimental studies and prediction algorithms are not available or were not evaluated, and the functional significance of this variant is currently unknown. In summary, the available evidence is currently insufficient to determine the role of this variant in disease. Therefore, it has been classified as a Variant of Uncertain Significance.